The following is an entry in ClinVar:

NM_004370.6(COL12A1):c.4780C>T (p.Arg1594Cys)

Gene: COL12A1 (collagen type XII alpha 1 chain; minus strand). Cytogenetic location: 6q13.
Variant type: single nucleotide variant.
Coding change: c.4780C>T on transcript NM_004370.6 (MANE Select); coding-DNA position 4780, C replaced by T.
Protein change: p.Arg1594Cys; replaces arginine 1594 with cysteine.
Molecular consequence: missense variant.
Genome position (GRCh38, 1-based): chr6:75,143,299, G>A on the plus strand (C>T on the coding strand, the complement: COL12A1 is on the minus strand). VCF-style: chr6-75143299-G-A. GRCh37 (hg19) VCF-style: chr6-75853015-G-A.
Other names: c.1288C>T, p.Arg430Cys (NM_080645.3); short protein forms R1594C, R430C.
Identifiers: ClinVar variation 2172050 (VCV002172050.5), dbSNP rs1306651193, ClinGen allele CA364742049.

ClinVar aggregate classification (germline): Uncertain significance. Review status: criteria provided, multiple submitters, no conflicts (2 of 4 stars). 2 submissions from 2 submitters: Uncertain significance (2). Last evaluated 2026-01-13.

Conditions:
Ullrich congenital muscular dystrophy 2 (UCMD2). Identifiers: Orphanet 75840, MedGen C4225314, MONDO:0014654, OMIM 616470.
Bethlem myopathy 2 (BTHLM2). Identifiers: Orphanet 536516, Orphanet 610, MedGen C4225313, MONDO:0034022, OMIM 616471.

Allele frequency attached by ClinVar (database versions not stated): gnomAD 0.00001; TOPMed 0.00001.
gnomAD v4.1: 13 of 1,613,450 alleles (0.00081%); highest among the groups gnomAD compares: East Asian, 0.0022%; no homozygotes.

Submissions (2):

Women's Health and Genetics/Laboratory Corporation of America, LabCorp
Classification: Uncertain significance. Last evaluated: 2026-01-13. Review status: criteria provided, single submitter. Criteria: LabCorp Variant Classification Summary - May 2015. Collection method: clinical testing. Allele origin: germline.
Comment: Variant summary: COL12A1 c.4780C>T (p.Arg1594Cys) results in a non-conservative amino acid change in the encoded protein sequence. Algorithms developed to predict the effect of missense changes on protein structure and function are either unavailable or do not agree on the potential impact of this missense change. The variant allele was found at a frequency of 4e-06 in 249012 control chromosomes. The available data on variant occurrences in the general population are insufficient to allow any conclusion about variant significance. To our knowledge, no occurrence of c.4780C>T in individuals affected with COL12A1-related conditions and no experimental evidence demonstrating its impact on protein function have been reported. ClinVar contains an entry for this variant (Variation ID: 2172050). Based on the evidence outlined above, the variant was classified as uncertain significance.

Labcorp Genetics (formerly Invitae), Labcorp
Classification: Uncertain significance for Bethlem myopathy 2; Ullrich congenital muscular dystrophy 2. Last evaluated: 2025-08-21. Review status: criteria provided, single submitter. Criteria: Invitae Variant Classification Sherloc (09022015). Collection method: clinical testing. Allele origin: germline.
Comment: This sequence change replaces arginine, which is basic and polar, with cysteine, which is neutral and slightly polar, at codon 1594 of the COL12A1 protein (p.Arg1594Cys). The frequency data for this variant in the population databases is considered unreliable, as metrics indicate poor data quality at this position in the gnomAD database. This variant has not been reported in the literature in individuals affected with COL12A1-related conditions. ClinVar contains an entry for this variant (Variation ID: 2172050). Invitae Evidence Modeling of protein sequence and biophysical properties (such as structural, functional, and spatial information, amino acid conservation, physicochemical variation, residue mobility, and thermodynamic stability) indicates that this missense variant is not expected to disrupt COL12A1 protein function with a negative predictive value of 80%. In summary, the available evidence is currently insufficient to determine the role of this variant in disease. Therefore, it has been classified as a Variant of Uncertain Significance.